The following is an entry in ClinVar:

ClinVar aggregate classification (germline): Pathogenic (1 of 4 stars; one submission).

Conditions:
COL7A1-related disorder. Also called: COL7A1- related disorders; COL7A1-related condition.

Submission:

3billion
Classification: Pathogenic for COL7A1-related disorder. Last evaluated: 2024-09-28. Review status: criteria provided, single submitter. Criteria: ACMG Guidelines, 2015. Collection method: clinical testing. Allele origin: germline. Affected: yes.
Comment: The variant is not observed in the gnomAD v4.1.0 dataset. Predicted Consequence/Location: Canonical splice site: predicted to alter splicing and result in a loss or disruption of normal protein function. Multiple pathogenic loss-of-function variants are reported downstream of the variant. In silico tools predict the variant to alter splicing and produce an abnormal transcript [SpliceAI: 0.99 (spliceogenicity >=0.2, non-spliceogenicity <0.1)]. The variant has been reported to be associated with COL7A1 related disorder (ClinVar ID: VCV001333476 /3billion dataset). Therefore, this variant is classified as Pathogenic according to the recommendation of ACMG/AMP guideline.

NM_000094.4(COL7A1):c.8047-2A>C

Gene: COL7A1 (collagen type VII alpha 1 chain; minus strand). Cytogenetic location: 3p21.31.
Variant type: single nucleotide variant.
Coding change: c.8047-2A>C on transcript NM_000094.4 (MANE Select); the canonical splice acceptor site of the intron before coding-DNA position 8047, A replaced by C.
Molecular consequence: splice acceptor variant.
Genome position (GRCh38, 1-based): chr3:48,567,192, T>G on the plus strand (A>C on the coding strand, the complement: COL7A1 is on the minus strand). VCF-style: chr3-48567192-T-G. GRCh37 (hg19) VCF-style: chr3-48604625-T-G.
Identifiers: ClinVar variation 1333476 (VCV001333476.2), dbSNP rs2107633400, ClinGen allele CA352640825.